The following is an entry in ClinVar:

NM_002227.4(JAK1):c.1977C>T (p.Arg659=)

Genes: JAK1 (Janus kinase 1; minus strand), LOC126805749 (BRD4-independent group 4 enhancer GRCh37_chr1:65312286-65313485; plus strand). Cytogenetic location: 1p31.3.
Variant type: single nucleotide variant.
Coding change: c.1977C>T on transcript NM_002227.4 (MANE Select); coding-DNA position 1977, C replaced by T.
Protein change: p.Arg659=; no amino-acid change (arginine 659 retained).
Molecular consequence: synonymous variant.
Genome position (GRCh38, 1-based): chr1:64,846,659, G>A on the plus strand (C>T on the coding strand, the complement: JAK1 is on the minus strand). VCF-style: chr1-64846659-G-A. GRCh37 (hg19) VCF-style: chr1-65312342-G-A.
Other names: p.Arg659=; c.1977C>T, p.Arg659= (NM_001320923.2, NM_001321852.2, NM_001321853.2 and 3 more transcripts); c.1974C>T, p.Arg658= (NM_001321857.2); c.1977C>T (NM_002227.3).
Identifiers: ClinVar variation 1169784 (VCV001169784.14), dbSNP rs17127063, ClinGen allele CA892788.

ClinVar aggregate classification (germline): Benign/Likely benign. Review status: criteria provided, multiple submitters, no conflicts (2 of 4 stars). 5 submissions from 5 submitters: Benign (3); Likely benign (1). 1 of the submissions does not count toward it. Last evaluated 2026-02-04.

Conditions:
JAK1-related disorder. Also called: JAK1-related condition.

Allele frequency attached by ClinVar (database versions not stated): gnomAD exomes 0.02990 and 0.03094; ExAC 0.03254; 1000 Genomes Project 0.04653; 1000 Genomes Project 30x 0.05122; gnomAD 0.05182 and 0.05434; ESP Exome Variant Server 0.05395; TOPMed 0.05440.
gnomAD v4.1: 51,720 of 1,613,140 alleles (3.2%); highest among the groups gnomAD compares: African/African-American, 11%; 1,097 homozygotes.

Submissions (5):

Labcorp Genetics (formerly Invitae), Labcorp
Classification: Benign. Last evaluated: 2026-02-04. Review status: criteria provided, single submitter. Criteria: Invitae Variant Classification Sherloc (09022015). Collection method: clinical testing. Allele origin: germline.

Blueprint Genetics
Classification: Likely benign. Last evaluated: 2024-11-26. Review status: criteria provided, single submitter. Criteria: ACMG Guidelines, 2015. Collection method: clinical testing. Allele origin: germline.

Mayo Clinic Laboratories, Mayo Clinic
Classification: Benign. Last evaluated: 2023-08-20. Review status: criteria provided, single submitter. Criteria: ACMG Guidelines, 2015. Collection method: clinical testing. Allele origin: germline. Observed: 34 variant alleles.

Breakthrough Genomics
Classification: Benign. Review status: criteria provided, single submitter. Criteria: ACMG Guidelines, 2015. Collection method: not provided. Allele origin: germline. Inheritance: Autosomal dominant inheritance. Affected: yes.

PreventionGenetics, part of Exact Sciences
Classification: Benign for JAK1-related condition. Last evaluated: 2019-07-11. Review status: no assertion criteria provided. Collection method: clinical testing. Allele origin: germline. Not counted in ClinVar's aggregate classification.
Comment: This variant is classified as benign based on ACMG/AMP sequence variant interpretation guidelines (Richards et al. 2015 PMID: 25741868, with internal and published modifications).